The following is an entry in ClinVar:

ClinVar aggregate classification (germline): Uncertain significance (1 of 4 stars; one submission).

gnomAD v4.1: 54 of 1,566,062 alleles (0.0034%); highest among the groups gnomAD compares: Middle Eastern, 0.034%; no homozygotes.

Submission:

Labcorp Genetics (formerly Invitae), Labcorp
Classification: Uncertain significance. Last evaluated: 2025-05-29. Review status: criteria provided, single submitter. Criteria: Invitae Variant Classification Sherloc (09022015). Collection method: clinical testing. Allele origin: germline.
Comment: This sequence change replaces arginine, which is basic and polar, with tryptophan, which is neutral and slightly polar, at codon 286 of the NYNRIN protein (p.Arg286Trp). This variant is present in population databases (rs772004028, gnomAD 0.009%). This variant has not been reported in the literature in individuals affected with NYNRIN-related conditions. An algorithm developed to predict the effect of missense changes on protein structure and function outputs the following: PolyPhen-2: "Not Available". The tryptophan amino acid residue is found in multiple mammalian species, which suggests that this missense change does not adversely affect protein function. In summary, the available evidence is currently insufficient to determine the role of this variant in disease. Therefore, it has been classified as a Variant of Uncertain Significance.

NM_025081.3(NYNRIN):c.856C>T (p.Arg286Trp)

Gene: NYNRIN (NYN domain and retroviral integrase containing; plus strand). Cytogenetic location: 14q12.
Variant type: single nucleotide variant.
Coding change: c.856C>T on transcript NM_025081.3 (MANE Select); coding-DNA position 856, C replaced by T.
Protein change: p.Arg286Trp; replaces arginine 286 with tryptophan.
Molecular consequence: missense variant.
Genome position (GRCh38, 1-based): chr14:24,408,526, C>T. VCF-style: chr14-24408526-C-T. GRCh37 (hg19) VCF-style: chr14-24877732-C-T.
Other names: short protein forms R286W.
Identifiers: ClinVar variation 4810862 (VCV004810862.1).